The following is an entry in ClinVar:

ClinVar aggregate classification (germline): Conflicting classifications of pathogenicity. Review status: criteria provided, conflicting classifications (1 of 4 stars). 3 submissions from 3 submitters: Likely pathogenic (1); Uncertain significance (1). 1 of the submissions does not count toward it. Last evaluated 2023-12-29.

Conditions:
Autosomal recessive nonsyndromic hearing loss 8 (DFNB8). Also called: NEUROSENSORY NONSYNDROMIC RECESSIVE DEAFNESS 8; Deafness, autosomal recessive 10. Identifiers: Orphanet 90636, MedGen C1832827, MONDO:0010987, OMIM 601072.

Allele frequency attached by ClinVar (database versions not stated): gnomAD exomes below 0.00001.
gnomAD v4.1: 1 of 1,613,910 alleles (0.000062%); highest among the groups gnomAD compares: Non-Finnish European, 0.000085%; no homozygotes.

Submissions (3):

Labcorp Genetics (formerly Invitae), Labcorp
Classification: Likely pathogenic. Last evaluated: 2023-12-29. Review status: criteria provided, single submitter. Criteria: Invitae Variant Classification Sherloc (09022015). Collection method: clinical testing. Allele origin: germline.
Comment: This sequence change replaces methionine, which is neutral and non-polar, with isoleucine, which is neutral and non-polar, at codon 384 of the TMPRSS3 protein (p.Met384Ile). This variant is not present in population databases (gnomAD no frequency). This variant has not been reported in the literature in individuals affected with TMPRSS3-related conditions. ClinVar contains an entry for this variant (Variation ID: 165482). Advanced modeling of protein sequence and biophysical properties (such as structural, functional, and spatial information, amino acid conservation, physicochemical variation, residue mobility, and thermodynamic stability) performed at Invitae indicates that this missense variant is expected to disrupt TMPRSS3 protein function with a positive predictive value of 95%. This variant disrupts the p.Met384 amino acid residue in TMPRSS3. Other variant(s) that disrupt this residue have been determined to be pathogenic (PMID: 3285355, 36633841; Invitae). This suggests that this residue is clinically significant, and that variants that disrupt this residue are likely to be disease-causing. In summary, the currently available evidence indicates that the variant is pathogenic, but additional data are needed to prove that conclusively. Therefore, this variant has been classified as Likely Pathogenic.

Laboratory for Molecular Medicine, Mass General Brigham Personalized Medicine
Classification: Uncertain significance. Last evaluated: 2013-05-15. Review status: criteria provided, single submitter. Criteria: LMM Criteria. Collection method: clinical testing. Allele origin: germline. Observed: 1 variant allele.
Comment: The Met384Ile variant in TMPRSS3 has not been reported in individuals with heari ng loss or in large population studies. Computational analyses (biochemical amin o acid properties, conservation, AlignGVGD, PolyPhen2, and SIFT) do not provide strong support for or against an impact to the protein. In summary, additional d ata is needed to determine the clinical significance of this variant.

Division of Human Genetics, Children's Hospital of Philadelphia
Classification: Uncertain significance for Autosomal recessive nonsyndromic hearing loss 8. Last evaluated: 2015-03-09. Review status: no assertion criteria provided. Collection method: research. Allele origin: paternal. Affected: yes. Study: CSER-PediSeq. Not counted in ClinVar's aggregate classification.

Literature cited by the submitters: PubMed 3285355 (cited by Labcorp Genetics (formerly Invitae), Labcorp); PubMed 36633841 (cited by Labcorp Genetics (formerly Invitae), Labcorp).

NM_001256317.3(TMPRSS3):c.1149G>T (p.Met383Ile)

Gene: TMPRSS3 (transmembrane serine protease 3; minus strand). Cytogenetic location: 21q22.3.
Variant type: single nucleotide variant.
Coding change: c.1149G>T on transcript NM_001256317.3 (MANE Select); coding-DNA position 1149, G replaced by T.
Protein change: p.Met383Ile; replaces methionine 383 with isoleucine.
Molecular consequence: missense variant.
Genome position (GRCh38, 1-based): chr21:42,376,583, C>A on the plus strand (G>T on the coding strand, the complement: TMPRSS3 is on the minus strand). VCF-style: chr21-42376583-C-A. GRCh37 (hg19) VCF-style: chr21-43796692-C-A.
Other names: c.1152G>T, p.Met384Ile (NM_024022.4); c.771G>T, p.Met257Ile (NM_032404.3); short protein forms M384I, M257I, M383I.
Identifiers: ClinVar variation 165482 (VCV000165482.8), dbSNP rs727503492, ClinGen allele CA090941.
Genomic context (GRCh38, chr21:42,376,583, plus strand): 5'-ACCGCTGCGGCCCCGTACCTGGCAGCTGTCCACGCCACCCGTCAGGTAGCCCGCGCAGAG[C>A]ATGGAGGGGGAGATGATGCCACCGTACACGTCCCTGTGGTTGCAGATCTTGTTGGAAATC-3'
Protein context (NP_001243246.1, residues 373-393): DVYGGIISPS[Met383Ile]LCAGYLTGGV